The following is an entry in ClinVar:

ClinVar aggregate classification (germline): Likely pathogenic (1 of 4 stars; one submission).

Conditions:
Weill-Marchesani syndrome 3 (WMS3). Also called: Weill-Marchesani syndrome 3, recessive; LTBP2-Related Weill-Marchesani Syndrome. Identifiers: Orphanet 3449, MedGen C3553785, MONDO:0013899, OMIM 614819.
Glaucoma 3, primary congenital, D. Identifiers: Orphanet 98976, MedGen C2751316, MONDO:0013122, OMIM 613086.
Microspherophakia and/or megalocornea, with ectopia lentis and with or without secondary glaucoma (MSPKA). Identifiers: Orphanet 238763, MedGen C3538951, MONDO:0009633, OMIM 251750.

Submission:

Juno Genomics, Hangzhou Juno Genomics, Inc
Classification: Likely pathogenic for Weill-Marchesani syndrome 3; Glaucoma 3, primary congenital, D; Microspherophakia and/or megalocornea, with ectopia lentis and with or without secondary glaucoma. Review status: criteria provided, single submitter. Criteria: ACMG Guidelines, 2015. Collection method: clinical testing. Allele origin: germline.
Comment: Null variant in a gene where loss of function (LOF) is a known mechanism of disease.;Absent from controls (or at extremely low frequency if recessive) in Genome Aggregation Database.

NM_000428.3(LTBP2):c.3603T>A (p.Cys1201Ter)

Gene: LTBP2 (latent transforming growth factor beta binding protein 2; minus strand). Cytogenetic location: 14q24.3.
Variant type: single nucleotide variant.
Coding change: c.3603T>A on transcript NM_000428.3 (MANE Select); coding-DNA position 3603, T replaced by A.
Protein change: p.Cys1201Ter; replaces cysteine 1201 with a stop codon.
Molecular consequence: nonsense.
Genome position (GRCh38, 1-based): chr14:74,508,653, A>T on the plus strand (T>A on the coding strand, the complement: LTBP2 is on the minus strand). VCF-style: chr14-74508653-A-T. GRCh37 (hg19) VCF-style: chr14-74975356-A-T.
Other names: short protein forms C1201*.
Identifiers: ClinVar variation 5005342 (VCV005005342.2).
Genomic context (GRCh38, chr14:74,508,653, plus strand): 5'-TGGCTTCTCACCCTGGCAGCTGGTGCCCCCCTCTGCGCTGACGAAGCCAGGCGCGCACAG[A>T]CAGAAGAAAGACCCGTGGCTGTTGAGGCACTCGCCGTGGGGTGCGCAGTGCTCCTCCCCC-3'